The following is an entry in ClinVar:

NC_000001.11:g.(?_225937421)_(225940022_?)dup

Gene: LEFTY2 (left-right determination factor 2; minus strand). Cytogenetic location: 1q42.12.
Variant type: Duplication.
Identifiers: ClinVar variation 831663 (VCV000831663.5).

ClinVar aggregate classification (germline): Uncertain significance (1 of 4 stars; one submission).

Conditions:
Left-right axis malformations. Identifiers: MedGen C1866091.

Submission:

Labcorp Genetics (formerly Invitae), Labcorp
Classification: Uncertain significance for Left-right axis malformations. Last evaluated: 2019-10-13. Review status: criteria provided, single submitter. Criteria: Invitae Variant Classification Sherloc (09022015). Collection method: clinical testing. Allele origin: germline.
Comment: This variant results in a copy number gain of the genomic region encompassing exons 2-4 of the LEFTY2 gene. The 5' boundary is likely confined to intron 1. The 3' end of this event is unknown as it extends beyond the assayed region for this gene and therefore may encompass additional genes. As the precise location of this event is unknown, it may be in tandem or it may be located elsewhere in the genome. This variant has not been reported in the literature in individuals with LEFTY2-related conditions. In summary, the available evidence is currently insufficient to determine the role of this variant in disease. Therefore, it has been classified as a Variant of Uncertain Significance.